The following is an entry in ClinVar:

NM_004055.5(CAPN5):c.709G>A (p.Ala237Thr)

Gene: CAPN5 (calpain 5; plus strand). Cytogenetic location: 11q13.5.
Variant type: single nucleotide variant.
Coding change: c.709G>A on transcript NM_004055.5 (MANE Select); coding-DNA position 709, G replaced by A.
Protein change: p.Ala237Thr; replaces alanine 237 with threonine.
Molecular consequence: missense variant.
Genome position (GRCh38, 1-based): chr11:77,115,404, G>A. VCF-style: chr11-77115404-G-A. GRCh37 (hg19) VCF-style: chr11-76826450-G-A.
Other names: short protein forms A237T.
Identifiers: ClinVar variation 1958808 (VCV001958808.5), dbSNP rs782703442, ClinGen allele CA381938666.
Genomic context (GRCh38, chr11:77,115,404, plus strand): 5'-TCTGGGTTCCAGTGTGGCCCTGCCTCTCTGAGCAACTGTGTCCCTCCACAGGCAGTGACA[G>A]CAGCTGACATGGAGGCCCGCCTGGCGTGCGGCCTGGTAAAGGGCCACGCATACGCCGTCA-3'
Protein context (NP_004046.2, residues 227-247): LISASIKAVT[Ala237Thr]ADMEARLACG

ClinVar aggregate classification (germline): Uncertain significance (1 of 4 stars; one submission).

gnomAD v4.1: 1 of 1,601,908 alleles (0.000062%); highest among the groups gnomAD compares: Non-Finnish European, 0.000085%; no homozygotes.

Submission:

Labcorp Genetics (formerly Invitae), Labcorp
Classification: Uncertain significance. Last evaluated: 2025-02-03. Review status: criteria provided, single submitter. Criteria: Invitae Variant Classification Sherloc (09022015). Collection method: clinical testing. Allele origin: germline.
Comment: This sequence change replaces alanine, which is neutral and non-polar, with threonine, which is neutral and polar, at codon 237 of the CAPN5 protein (p.Ala237Thr). This variant is not present in population databases (gnomAD no frequency). This variant has not been reported in the literature in individuals affected with CAPN5-related conditions. ClinVar contains an entry for this variant (Variation ID: 1958808). Invitae Evidence Modeling of protein sequence and biophysical properties (such as structural, functional, and spatial information, amino acid conservation, physicochemical variation, residue mobility, and thermodynamic stability) indicates that this missense variant is not expected to disrupt CAPN5 protein function with a negative predictive value of 80%. In summary, the available evidence is currently insufficient to determine the role of this variant in disease. Therefore, it has been classified as a Variant of Uncertain Significance.